The following is an entry in ClinVar:

NM_014324.6(AMACR):c.623G>A (p.Arg208Gln)

Genes: C1QTNF3-AMACR (C1QTNF3-AMACR readthrough (NMD candidate); minus strand), AMACR (alpha-methylacyl-CoA racemase; minus strand). Cytogenetic location: 5p13.2.
Variant type: single nucleotide variant.
Coding change: c.623G>A on transcript NM_014324.6 (MANE Select); coding-DNA position 623, G replaced by A.
Protein change: p.Arg208Gln; replaces arginine 208 with glutamine.
Molecular consequence: missense variant. On other transcripts: non-coding transcript variant (1), synonymous variant (1).
Genome position (GRCh38, 1-based): chr5:33,998,757, C>T on the plus strand (G>A on the coding strand, the complement: AMACR is on the minus strand). VCF-style: chr5-33998757-C-T. GRCh37 (hg19) VCF-style: chr5-33998862-C-T.
Other names: c.623G>A, p.Arg208Gln (NM_001167595.2); c.462G>A, p.Ser154= (NM_203382.3); short protein forms R208Q.
Identifiers: ClinVar variation 1421574 (VCV001421574.5), dbSNP rs975712828, ClinGen allele CA116867047.

ClinVar aggregate classification (germline): Uncertain significance (1 of 4 stars; one submission).

Conditions:
Alpha-methylacyl-CoA racemase deficiency (AMACRD). Also called: AMACR deficiency. Identifiers: Orphanet 79095, MedGen C3280428, MONDO:0013681, OMIM 614307. Disease mechanism: loss of function.

Allele frequency attached by ClinVar (database versions not stated): TOPMed 0.00001.
gnomAD v4.1: 35 of 1,613,966 alleles (0.0022%); highest among the groups gnomAD compares: Non-Finnish European, 0.0025%; no homozygotes.

Submission:

Labcorp Genetics (formerly Invitae), Labcorp
Classification: Uncertain significance for Alpha-methylacyl-CoA racemase deficiency. Last evaluated: 2021-09-01. Review status: criteria provided, single submitter. Criteria: Invitae Variant Classification Sherloc (09022015). Collection method: clinical testing. Allele origin: germline.
Comment: This sequence change replaces arginine with glutamine at codon 208 of the AMACR protein (p.Arg208Gln). The arginine residue is highly conserved and there is a small physicochemical difference between arginine and glutamine. This variant is not present in population databases (ExAC no frequency). This variant has not been reported in the literature in individuals affected with AMACR-related conditions. Algorithms developed to predict the effect of missense changes on protein structure and function output the following: SIFT: "Tolerated"; PolyPhen-2: "Benign"; Align-GVGD: "Class C0". The glutamine amino acid residue is found in multiple mammalian species, which suggests that this missense change does not adversely affect protein function. In summary, the available evidence is currently insufficient to determine the role of this variant in disease. Therefore, it has been classified as a Variant of Uncertain Significance.